The following is an entry in ClinVar:

ClinVar aggregate classification (germline): Conflicting classifications of pathogenicity. Review status: criteria provided, conflicting classifications (1 of 4 stars). 4 submissions from 4 submitters: Uncertain significance (3); Likely benign (1). Last evaluated 2025-06-19.

Conditions:
Deafness, autosomal dominant 39, with dentinogenesis imperfecta 1. Also called: DFNA39/DENTINOGENESIS IMPERFECTA 1 SYNDROME; DFNA39/DGI1 SYNDROME; DGI1/DFNA39 SYNDROME. Identifiers: Orphanet 166260, MedGen C1854146, MONDO:0011571, OMIM 605594.
Inborn genetic diseases. Identifiers: MedGen C0950123, MeSH D030342.

Allele frequency attached by ClinVar (database versions not stated): gnomAD 0.00001; ExAC 0.00002; gnomAD exomes 0.00003; TOPMed 0.00003.

Submissions (4):

Labcorp Genetics (formerly Invitae), Labcorp
Classification: Uncertain significance. Last evaluated: 2025-06-19. Review status: criteria provided, single submitter. Criteria: Invitae Variant Classification Sherloc (09022015). Collection method: clinical testing. Allele origin: germline.
Comment: This sequence change replaces threonine, which is neutral and polar, with asparagine, which is neutral and polar, at codon 344 of the DSPP protein (p.Thr344Asn). This variant is present in population databases (rs767387863, gnomAD 0.04%). This variant has not been reported in the literature in individuals affected with DSPP-related conditions. ClinVar contains an entry for this variant (Variation ID: 689607). An algorithm developed to predict the effect of missense changes on protein structure and function outputs the following: PolyPhen-2: "Possibly Damaging". The asparagine amino acid residue is found in multiple mammalian species, which suggests that this missense change does not adversely affect protein function. In summary, the available evidence is currently insufficient to determine the role of this variant in disease. Therefore, it has been classified as a Variant of Uncertain Significance.

GeneDx
Classification: Uncertain significance. Last evaluated: 2024-05-16. Review status: criteria provided, single submitter. Criteria: GeneDx Variant Classification Process June 2021. Collection method: clinical testing. Allele origin: germline. Affected: yes.
Comment: In silico analysis indicates that this missense variant does not alter protein structure/function; Has not been previously published as pathogenic or benign to our knowledge

Ambry Genetics
Classification: Uncertain significance for Inborn genetic diseases. Last evaluated: 2023-08-15. Review status: criteria provided, single submitter. Criteria: Ambry Variant Classification Scheme 2023. Collection method: clinical testing. Allele origin: germline.

Genetic Testing Center for Deafness, Department of Otolaryngology Head & Neck Surgery, Institute of Otolaryngology, Chinese PLA General Hospital
Classification: Likely benign for Deafness, autosomal dominant 39, with dentinogenesis imperfecta 1. Review status: criteria provided, single submitter. Criteria: ClinGen HL ACMG Specifications v1. Collection method: case-control. Allele origin: paternal. Affected: no. Observed: 2 variant alleles.

NM_014208.3(DSPP):c.1031C>A (p.Thr344Asn)

Genes: DMP1-AS1 (DMP1 and DSPP antisense RNA 1; minus strand), DSPP (dentin sialophosphoprotein; plus strand). Cytogenetic location: 4q22.1.
Variant type: single nucleotide variant.
Coding change: c.1031C>A on transcript NM_014208.3 (MANE Select); coding-DNA position 1031, C replaced by A.
Protein change: p.Thr344Asn; replaces threonine 344 with asparagine.
Molecular consequence: missense variant.
Genome position (GRCh38, 1-based): chr4:87,613,217, C>A. VCF-style: chr4-87613217-C-A. GRCh37 (hg19) VCF-style: chr4-88534369-C-A.
Other names: short protein forms T344N.
Identifiers: ClinVar variation 689607 (VCV000689607.5), dbSNP rs767387863, ClinGen allele CA3001001.